The following is an entry in ClinVar:

ClinVar aggregate classification (germline): Uncertain significance. Review status: criteria provided, multiple submitters, no conflicts (2 of 4 stars). 2 submissions from 2 submitters: Uncertain significance (2). Last evaluated 2022-03-13.

Conditions:
Cardiovascular phenotype. Identifiers: MedGen CN230736.
Cutis laxa, autosomal recessive, type 1B (ARCL1B). Also called: CUTIS LAXA, AUTOSOMAL RECESSIVE, TYPE IB; EFEMP2-Related Cutis Laxa. Identifiers: Orphanet 90349, MedGen C3280798, MONDO:0013754, OMIM 614437. Disease mechanism: loss of function.

Submissions (2):

Labcorp Genetics (formerly Invitae), Labcorp
Classification: Uncertain significance for Cutis laxa, autosomal recessive, type 1B. Last evaluated: 2022-03-13. Review status: criteria provided, single submitter. Criteria: Invitae Variant Classification Sherloc (09022015). Collection method: clinical testing. Allele origin: germline.
Comment: In summary, the available evidence is currently insufficient to determine the role of this variant in disease. Therefore, it has been classified as a Variant of Uncertain Significance. Algorithms developed to predict the effect of missense changes on protein structure and function are either unavailable or do not agree on the potential impact of this missense change (SIFT: "Deleterious"; PolyPhen-2: "Benign"; Align-GVGD: "Class C15"). This variant has not been reported in the literature in individuals affected with EFEMP2-related conditions. This variant is not present in population databases (gnomAD no frequency). This sequence change replaces threonine, which is neutral and polar, with asparagine, which is neutral and polar, at codon 442 of the EFEMP2 protein (p.Thr442Asn).

Ambry Genetics
Classification: Uncertain significance for Cardiovascular phenotype. Last evaluated: 2019-11-21. Review status: criteria provided, single submitter. Criteria: Ambry Variant Classification Scheme 2023. Collection method: clinical testing. Allele origin: germline.
Comment: The p.T442N variant (also known as c.1325C>A), located in coding exon 10 of the EFEMP2 gene, results from a C to A substitution at nucleotide position 1325. The threonine at codon 442 is replaced by asparagine, an amino acid with similar properties. This amino acid position is not well conserved in available vertebrate species, and asparagine is the reference amino acid in other vertebrate species. In addition, the in silico prediction for this alteration is inconclusive. Since supporting evidence is limited at this time, the clinical significance of this alteration remains unclear.

NM_016938.5(EFEMP2):c.1325C>A (p.Thr442Asn)

Genes: MUS81 (MUS81 structure-specific endonuclease subunit; plus strand), EFEMP2 (EGF-like fibulin extracellular matrix protein 2; minus strand). Cytogenetic location: 11q13.1.
Variant type: single nucleotide variant.
Coding change: c.1325C>A on transcript NM_016938.5 (MANE Select); coding-DNA position 1325, C replaced by A.
Protein change: p.Thr442Asn; replaces threonine 442 with asparagine.
Molecular consequence: missense variant. On other transcripts: non-coding transcript variant (1).
Genome position (GRCh38, 1-based): chr11:65,866,925, G>T on the plus strand (C>A on the coding strand, the complement: EFEMP2 is on the minus strand). VCF-style: chr11-65866925-G-T. GRCh37 (hg19) VCF-style: chr11-65634396-G-T.
Other names: short protein forms T442N.
Identifiers: ClinVar variation 1769988 (VCV001769988.7), dbSNP rs552721291, ClinGen allele CA381347868.
Genomic context (GRCh38, chr11:65,866,925, plus strand): 5'-CAACAGGCTCCTCAGCTAGGGTAGCTGCAGGGAGGGTGGCTCCCTCCTGCTCCTCAGAAG[G>T]TGTAGGCCCCTACAAAGACGGTGAGCCTCAGTACAGAGCTGGCCCGGTAGCTCATGAGGG-3'
Protein context (NP_058634.4, residues 432-443): LRLTVFVGAY[Thr442Asn]F